The following is an entry in ClinVar:

ClinVar aggregate classification (germline): Uncertain significance (1 of 4 stars; one submission).

Conditions:
Duchenne muscular dystrophy (DMD). Also called: MUSCULAR DYSTROPHY, PSEUDOHYPERTROPHIC PROGRESSIVE, DUCHENNE TYPE; Duchenne Muscular Dystrophy (DMD). Identifiers: Orphanet 98896, MedGen C0013264, MONDO:0010679, OMIM 310200.

gnomAD v4.1: 6 of 1,209,359 alleles (0.0005%); highest among the groups gnomAD compares: Admixed American, 0.0022%; no homozygotes.

Submission:

Labcorp Genetics (formerly Invitae), Labcorp
Classification: Uncertain significance for Duchenne muscular dystrophy. Last evaluated: 2025-12-19. Review status: criteria provided, single submitter. Criteria: Invitae Variant Classification Sherloc (09022015). Collection method: clinical testing. Allele origin: germline.
Comment: This sequence change replaces lysine, which is basic and polar, with arginine, which is basic and polar, at codon 2852 of the DMD protein (p.Lys2852Arg). The frequency data for this variant in the population databases is considered unreliable, as metrics indicate poor data quality at this position in the gnomAD database. This variant has not been reported in the literature in individuals affected with DMD-related conditions. Invitae Evidence Modeling of protein sequence and biophysical properties (such as structural, functional, and spatial information, amino acid conservation, physicochemical variation, residue mobility, and thermodynamic stability) indicates that this missense variant is not expected to disrupt DMD protein function with a negative predictive value of 95%. In summary, the available evidence is currently insufficient to determine the role of this variant in disease. Therefore, it has been classified as a Variant of Uncertain Significance.

NM_004006.3(DMD):c.8555A>G (p.Lys2852Arg)

Gene: DMD (dystrophin; minus strand). Cytogenetic location: Xp21.2.
Variant type: single nucleotide variant.
Coding change: c.8555A>G on transcript NM_004006.3 (MANE Select); coding-DNA position 8555, A replaced by G.
Protein change: p.Lys2852Arg; replaces lysine 2852 with arginine.
Molecular consequence: missense variant.
Genome position (GRCh38, 1-based): chrX:31,479,096, T>C on the plus strand (A>G on the coding strand, the complement: DMD is on the minus strand). VCF-style: chrX-31479096-T-C. GRCh37 (hg19) VCF-style: chrX-31497213-T-C.
Other names: c.8531A>G, p.Lys2844Arg (NM_000109.4); c.8543A>G, p.Lys2848Arg (NM_004009.3); c.8186A>G, p.Lys2729Arg (NM_004010.3); c.4532A>G, p.Lys1511Arg (NM_004011.4); c.4523A>G, p.Lys1508Arg (NM_004012.4); c.1175A>G, p.Lys392Arg (NM_004013.3, NM_004020.4, NM_004021.3 and 2 more transcripts); c.368A>G, p.Lys123Arg (NM_004014.3); short protein forms K2729R, K2844R, K123R, K1511R, K2848R, K2852R, K1508R, K392R.
Identifiers: ClinVar variation 4753070 (VCV004753070.1).